The following is an entry in ClinVar:

ClinVar aggregate classification (germline): Pathogenic (1 of 4 stars; one submission).

Conditions:
Familial thoracic aortic aneurysm and aortic dissection (TAAD). Also called: Thoracic aortic aneurysms and dissections. Identifiers: Orphanet 91387, MedGen C4707243, MONDO:0019625.
Marfan syndrome (MFS). Also called: FBN1-Related Marfan Syndrome; Marfan syndrome type 1; Marfan's syndrome; Marfan syndrome, classic; MARFAN SYNDROME, TYPE I. Identifiers: Orphanet 284963, Orphanet 558, MedGen C0024796, MONDO:0007947, OMIM 154700.

Submission:

Labcorp Genetics (formerly Invitae), Labcorp
Classification: Pathogenic for Marfan syndrome; Familial thoracic aortic aneurysm and aortic dissection. Last evaluated: 2025-08-06. Review status: criteria provided, single submitter. Criteria: Invitae Variant Classification Sherloc (09022015). Collection method: clinical testing. Allele origin: germline.
Comment: This sequence change creates a premature translational stop signal (p.Gln907*) in the FBN1 gene. It is expected to result in an absent or disrupted protein product. Loss-of-function variants in FBN1 are known to be pathogenic (PMID: 17657824, 19293843). This variant is not present in population databases (gnomAD no frequency). This variant has not been reported in the literature in individuals affected with FBN1-related conditions. ClinVar contains an entry for this variant (Variation ID: 650262). For these reasons, this variant has been classified as Pathogenic.

Literature cited by the submitters: PubMed 17657824; PubMed 19293843.

NM_000138.5(FBN1):c.2719C>T (p.Gln907Ter)

Gene: FBN1 (fibrillin 1; minus strand). Cytogenetic location: 15q21.1.
Variant type: single nucleotide variant.
Coding change: c.2719C>T on transcript NM_000138.5 (MANE Select); coding-DNA position 2719, C replaced by T.
Protein change: p.Gln907Ter; replaces glutamine 907 with a stop codon.
Molecular consequence: nonsense.
Genome position (GRCh38, 1-based): chr15:48,494,213, G>A on the plus strand (C>T on the coding strand, the complement: FBN1 is on the minus strand). VCF-style: chr15-48494213-G-A. GRCh37 (hg19) VCF-style: chr15-48786410-G-A.
Other names: short protein forms Q907*.
Identifiers: ClinVar variation 650262 (VCV000650262.6), dbSNP rs1597568290, ClinGen allele CA392331610.
Genomic context (GRCh38, chr15:48,494,213, plus strand): 5'-AACATTCATTATGCACACAAAAATGTATGGTTTATAAGTAATCAGAAATACCTTCACATT[G>A]TGTTCCTTTAATTCTTGAGTACCCTTTACCACATATGGGATCTGTAATAAAAAGCGAAAA-3'